The following is an entry in ClinVar:

NM_003049.4(SLC10A1):c.583A>C (p.Ile195Leu)

Gene: SLC10A1 (solute carrier family 10 member 1; minus strand). Cytogenetic location: 14q24.1.
Variant type: single nucleotide variant.
Coding change: c.583A>C on transcript NM_003049.4 (MANE Select); coding-DNA position 583, A replaced by C.
Protein change: p.Ile195Leu; replaces isoleucine 195 with leucine.
Molecular consequence: missense variant.
Genome position (GRCh38, 1-based): chr14:69,779,345, T>G on the plus strand (A>C on the coding strand, the complement: SLC10A1 is on the minus strand). VCF-style: chr14-69779345-T-G. GRCh37 (hg19) VCF-style: chr14-70246062-T-G.
Other names: c.583A>C (NM_003049.3); short protein forms I195L.
Identifiers: ClinVar variation 593428 (VCV000593428.7), dbSNP rs145747967, ClinGen allele CA7246087.

ClinVar aggregate classification (germline): Uncertain significance. Review status: criteria provided, multiple submitters, no conflicts (2 of 4 stars). 2 submissions from 2 submitters: Uncertain significance (2). Last evaluated 2025-09-22.

Conditions:
SLC10A1-related disorder. Also called: SLC10A1-related condition.

Allele frequency attached by ClinVar (database versions not stated): ExAC 0.00001; gnomAD exomes 0.00001 and 0.00002; gnomAD 0.00009 and 0.00010; TOPMed 0.00011; 1000 Genomes Project 30x 0.00016; 1000 Genomes Project 0.00020; ESP Exome Variant Server 0.00031.
gnomAD v4.1: 25 of 1,610,566 alleles (0.0016%); highest among the groups gnomAD compares: African/African-American, 0.031%; no homozygotes.

Submissions (2):

PreventionGenetics, part of Exact Sciences
Classification: Uncertain significance for SLC10A1-related condition. Last evaluated: 2025-09-22. Review status: criteria provided, single submitter. Criteria: ACMG Guidelines, 2015. Collection method: clinical testing. Allele origin: germline.
Comment: The SLC10A1 c.583A>C variant is predicted to result in the amino acid substitution p.Ile195Leu. To our knowledge, this variant has not been reported in the literature. This variant is reported in 0.036% of alleles in individuals of African descent in gnomAD. At this time, the clinical significance of this variant is uncertain due to the absence of conclusive functional and genetic evidence.

Eurofins Ntd Llc (ga)
Classification: Uncertain significance. Last evaluated: 2017-07-25. Review status: criteria provided, single submitter. Criteria: EGL Classification Definitions 2015. Collection method: clinical testing. Allele origin: germline. Observed: 1 variant allele, 1 heterozygote.